The following is an entry in ClinVar:

NM_199420.4(POLQ):c.2008T>G (p.Phe670Val)

Gene: POLQ (DNA polymerase theta; minus strand). Cytogenetic location: 3q13.33.
Variant type: single nucleotide variant.
Coding change: c.2008T>G on transcript NM_199420.4 (MANE Select); coding-DNA position 2008, T replaced by G.
Protein change: p.Phe670Val; replaces phenylalanine 670 with valine.
Molecular consequence: missense variant.
Genome position (GRCh38, 1-based): chr3:121,498,622, A>C on the plus strand (T>G on the coding strand, the complement: POLQ is on the minus strand). VCF-style: chr3-121498622-A-C. GRCh37 (hg19) VCF-style: chr3-121217469-A-C.
Other names: short protein forms F670V.
Identifiers: ClinVar variation 3308727 (VCV003308727.1).

ClinVar aggregate classification (germline): Uncertain significance (1 of 4 stars; one submission).

Submission:

Ambry Genetics
Classification: Uncertain significance. Last evaluated: 2024-06-11. Review status: criteria provided, single submitter. Criteria: Ambry Variant Classification Scheme 2023. Collection method: clinical testing. Allele origin: germline.
Comment: The p.F670V variant (also known as c.2008T>G), located in coding exon 13 of the POLQ gene, results from a T to G substitution at nucleotide position 2008. The phenylalanine at codon 670 is replaced by valine, an amino acid with highly similar properties. This amino acid position is conserved. In addition, the in silico prediction for this alteration is inconclusive. Based on the available evidence, the clinical significance of this variant remains unclear.